The following is an entry in ClinVar:

ClinVar aggregate classification (germline): Uncertain significance. Review status: criteria provided, multiple submitters, no conflicts (2 of 4 stars). 2 submissions from 2 submitters: Uncertain significance (2). Last evaluated 2024-10-26.

Conditions:
Joubert syndrome 21 (JBTS21). Identifiers: MedGen C3810212, MONDO:0014288, OMIM 615636.

Submissions (2):

Labcorp Genetics (formerly Invitae), Labcorp
Classification: Uncertain significance for Joubert syndrome 21. Last evaluated: 2024-10-26. Review status: criteria provided, single submitter. Criteria: Invitae Variant Classification Sherloc (09022015). Collection method: clinical testing. Allele origin: germline.
Comment: This sequence change replaces aspartic acid, which is acidic and polar, with glutamic acid, which is acidic and polar, at codon 833 of the CSPP1 protein (p.Asp833Glu). This variant is not present in population databases (gnomAD no frequency). This variant has not been reported in the literature in individuals affected with CSPP1-related conditions. ClinVar contains an entry for this variant (Variation ID: 2126786). An algorithm developed to predict the effect of missense changes on protein structure and function outputs the following: PolyPhen-2: "Benign". The glutamic acid amino acid residue is found in multiple mammalian species, which suggests that this missense change does not adversely affect protein function. In summary, the available evidence is currently insufficient to determine the role of this variant in disease. Therefore, it has been classified as a Variant of Uncertain Significance.

GeneDx
Classification: Uncertain significance. Last evaluated: 2023-05-01. Review status: criteria provided, single submitter. Criteria: GeneDx Variant Classification Process June 2021. Collection method: clinical testing. Allele origin: germline. Affected: yes.
Comment: Not observed at significant frequency in large population cohorts (gnomAD); In silico analysis supports that this missense variant does not alter protein structure/function; Has not been previously published as pathogenic or benign to our knowledge

NM_001382391.1(CSPP1):c.2514C>G (p.Asp838Glu)

Gene: CSPP1 (centrosome and spindle pole associated protein 1; plus strand). Cytogenetic location: 8q13.2.
Variant type: single nucleotide variant.
Coding change: c.2514C>G on transcript NM_001382391.1 (MANE Select); coding-DNA position 2514, C replaced by G.
Protein change: p.Asp838Glu; replaces aspartic acid 838 with glutamic acid.
Molecular consequence: missense variant.
Genome position (GRCh38, 1-based): chr8:67,159,113, C>G. VCF-style: chr8-67159113-C-G. GRCh37 (hg19) VCF-style: chr8-68071348-C-G.
Other names: c.1464C>G, p.Asp488Glu (NM_001291339.2); c.2433C>G, p.Asp811Glu (NM_001363131.2); c.2319C>G, p.Asp773Glu (NM_001363132.2); c.2238C>G, p.Asp746Glu (NM_001363133.2); c.2580C>G, p.Asp860Glu (NM_001364869.1); c.2400C>G, p.Asp800Glu (NM_001364870.1); c.2499C>G, p.Asp833Glu (NM_024790.7); short protein forms D488E, D773E, D811E, D860E, D800E, D838E, D833E, D746E.
Identifiers: ClinVar variation 2126786 (VCV002126786.5), dbSNP rs534416502, ClinGen allele CA371190461.